The following is an entry in ClinVar:

NM_000722.4(CACNA2D1):c.218A>C (p.Asn73Thr)

Gene: CACNA2D1 (calcium voltage-gated channel auxiliary subunit alpha2delta 1; minus strand). Cytogenetic location: 7q21.11.
Variant type: single nucleotide variant.
Coding change: c.218A>C on transcript NM_000722.4 (MANE Select); coding-DNA position 218, A replaced by C.
Protein change: p.Asn73Thr; replaces asparagine 73 with threonine.
Molecular consequence: missense variant.
Genome position (GRCh38, 1-based): chr7:82,335,211, T>G on the plus strand (A>C on the coding strand, the complement: CACNA2D1 is on the minus strand). VCF-style: chr7-82335211-T-G. GRCh37 (hg19) VCF-style: chr7-81964527-T-G.
Other names: c.218A>C, p.Asn73Thr (NM_001302890.2, NM_001366867.1); short protein forms N73T.
Identifiers: ClinVar variation 3232259 (VCV003232259.1), dbSNP rs775842827, ClinGen allele CA368017890.

ClinVar aggregate classification (germline): Uncertain significance (1 of 4 stars; one submission).

Conditions:
Cardiovascular phenotype. Identifiers: MedGen CN230736.

Submission:

Ambry Genetics
Classification: Uncertain significance for Cardiovascular phenotype. Last evaluated: 2024-03-02. Review status: criteria provided, single submitter. Criteria: Ambry Variant Classification Scheme 2023. Collection method: clinical testing. Allele origin: germline.
Comment: The p.N73T variant (also known as c.218A>C), located in coding exon 3 of the CACNA2D1 gene, results from an A to C substitution at nucleotide position 218. The asparagine at codon 73 is replaced by threonine, an amino acid with similar properties. This amino acid position is conserved. In addition, this alteration is predicted to be tolerated by in silico analysis. Based on the available evidence, the clinical significance of this alteration remains unclear.